The following is an entry in ClinVar:

ClinVar aggregate classification (germline): Uncertain significance (1 of 4 stars; one submission).

Conditions:
Catecholaminergic polymorphic ventricular tachycardia (CVPT). Also called: Catecholamine-induced polymorphic ventricular tachycardia. Identifiers: Orphanet 3286, MedGen C5574922, MONDO:0017990.

Allele frequency attached by ClinVar (database versions not stated): TOPMed below 0.00001; gnomAD 0.00001; gnomAD exomes 0.00002.

Submission:

All of Us Research Program, National Institutes of Health
Classification: Uncertain significance for Catecholaminergic polymorphic ventricular tachycardia. Last evaluated: 2023-05-04. Review status: criteria provided, single submitter. Criteria: ACMG Guidelines, 2015. Collection method: clinical testing. Allele origin: germline. Inheritance: Autosomal dominant inheritance. Observed: 1 variant allele, 1 heterozygote.
Comment: This missense variant replaces methionine with threonine at codon 1628 of the RYR2 protein. Computational prediction suggests that this variant may have deleterious impact on protein structure and function (internally defined REVEL score threshold >= 0.7, PMID: 27666373). To our knowledge, functional studies have not been reported for this variant. This variant has not been reported in individuals affected with RYR2-related disorders in the literature. This variant has not been identified in the general population by the Genome Aggregation Database (gnomAD). The available evidence is insufficient to determine the role of this variant in disease conclusively. Therefore, this variant is classified as a Variant of Uncertain Significance.

This study involves interpretation of variants in research participants for the purpose of population health screening. Participant phenotype was not available at the time of variant classification. Additional details can be found in publication PMID: 35346344, PMCID: PMC8962531

NM_001035.3(RYR2):c.4883T>C (p.Met1628Thr)

Gene: RYR2 (ryanodine receptor 2; plus strand). Cytogenetic location: 1q43.
Variant type: single nucleotide variant.
Coding change: c.4883T>C on transcript NM_001035.3 (MANE Select); coding-DNA position 4883, T replaced by C.
Protein change: p.Met1628Thr; replaces methionine 1628 with threonine.
Molecular consequence: missense variant.
Genome position (GRCh38, 1-based): chr1:237,610,961, T>C. VCF-style: chr1-237610961-T-C. GRCh37 (hg19) VCF-style: chr1-237774261-T-C.
Other names: short protein forms M1628T.
Identifiers: ClinVar variation 3070726 (VCV003070726.1), dbSNP rs1677790349, ClinGen allele CA345402836.
Genomic context (GRCh38, chr1:237,610,961, plus strand): 5'-TGTCTCGAATAAGTGAACGCCAAGGCTGGTTGGTGCAGTGTTTGGATCCTCTGCAGTTCA[T>C]GTCTCTTCATATCCCTGAGGAAAACAGGTCAGCCCCAGTGAATCCCTGACATTCTGATTG-3'
Protein context (NP_001026.2, residues 1618-1638): LVQCLDPLQF[Met1628Thr]SLHIPEENRS